The following is an entry in ClinVar:

ClinVar aggregate classification (germline): Pathogenic (1 of 4 stars; one submission).

Conditions:
Fanconi anemia (FA). Also called: Fanconi's anemia. Identifiers: Orphanet 84, MedGen C0015625, MeSH D005199, MONDO:0019391.

Submission:

Labcorp Genetics (formerly Invitae), Labcorp
Classification: Pathogenic for Fanconi anemia. Last evaluated: 2025-01-21. Review status: criteria provided, single submitter. Criteria: Invitae Variant Classification Sherloc (09022015). Collection method: clinical testing. Allele origin: germline.
Comment: This sequence change creates a premature translational stop signal (p.Glu53Valfs*11) in the SLX4 gene. It is expected to result in an absent or disrupted protein product. Loss-of-function variants in SLX4 are known to be pathogenic (PMID: 21240277). This variant is not present in population databases (gnomAD no frequency). This variant has not been reported in the literature in individuals affected with SLX4-related conditions. For these reasons, this variant has been classified as Pathogenic.

Literature cited by the submitters: PubMed 21240277.

NM_032444.4(SLX4):c.157_158insTA (p.Glu53fs)

Gene: SLX4 (SLX4 structure-specific endonuclease subunit; minus strand). Cytogenetic location: 16p13.3.
Variant type: Insertion.
Coding change: c.157_158insTA on transcript NM_032444.4 (MANE Select); coding-DNA positions 157 to 158, TA inserted.
Protein change: p.Glu53fs; shifts the reading frame from glutamic acid 53.
Molecular consequence: frameshift variant.
Genome position: GRCh38 VCF-style: chr16-3608807-T-TTA. GRCh37 (hg19) VCF-style: chr16-3658808-T-TTA.
Other names: short protein forms E53fs.
Identifiers: ClinVar variation 3676084 (VCV003676084.2).